The following is an entry in ClinVar:

NM_001267550.2(TTN):c.80361del (p.Thr26788fs)

Genes: TTN (titin; minus strand), TTN-AS1 (TTN antisense RNA 1; plus strand). Cytogenetic location: 2q31.2.
Variant type: Deletion.
Coding change: c.80361del on transcript NM_001267550.2 (MANE Select); coding-DNA position 80361, one base deleted (T; older notation c.80361delT).
Protein change: p.Thr26788fs; shifts the reading frame from threonine 26788.
Molecular consequence: frameshift variant.
Genome position (GRCh38, 1-based): chr2:178,565,771, A deleted on the plus strand (T on the coding strand, the reverse complement: TTN is on the minus strand); the first of 2 consecutive A bases (chr2:178,565,771-178,565,772); deleting either gives the same sequence. VCF-style (leftmost placement, unchanged base first): chr2-178565770-TA-T. GRCh37 (hg19) VCF-style: chr2-179430497-TA-T.
Other names: c.75438del, p.Thr25147fs (NM_001256850.1); c.53166del, p.Thr17723fs (NM_003319.4); c.72657del, p.Thr24220fs (NM_133378.4); c.53541del, p.Thr17848fs (NM_133432.3); c.53742del, p.Thr17915fs (NM_133437.4); short protein forms T17723fs, T17848fs, T24220fs, T26788fs, T17915fs, T25147fs.
Identifiers: ClinVar variation 2953930 (VCV002953930.3), dbSNP rs2468259742, ClinGen allele CA2740095918.
Genomic context (GRCh38, chr2:178,565,770, plus strand): 5'-CATCATGTTCAGGTTTCTCCCACATAAGTGATGCACTGGTCTGGGACACATCAGTGAGTG[TA>T]ACCTTTCCTGGTGGGGAAGGAGGTTCAGCAGCTTTCACGGCATCAACAGTTTCCACTGGA-3'

ClinVar aggregate classification (germline): Likely pathogenic (1 of 4 stars; one submission).

Conditions:
Autosomal recessive limb-girdle muscular dystrophy type 2J (LGMDR10). Also called: Limb-girdle muscular dystrophy, type 2J; MUSCULAR DYSTROPHY, LIMB-GIRDLE, AUTOSOMAL RECESSIVE 10. Identifiers: Orphanet 140922, MedGen C1837342, MONDO:0012127, OMIM 608807.
Dilated cardiomyopathy 1G (CMD1G). Identifiers: Orphanet 154, MedGen C1858763, MONDO:0011400, OMIM 604145.

Submission:

Labcorp Genetics (formerly Invitae), Labcorp
Classification: Likely pathogenic for Dilated cardiomyopathy 1G; Autosomal recessive limb-girdle muscular dystrophy type 2J. Last evaluated: 2025-05-08. Review status: criteria provided, single submitter. Criteria: Invitae Variant Classification Sherloc (09022015). Collection method: clinical testing. Allele origin: germline.
Comment: This sequence change creates a premature translational stop signal (p.Thr26788Hisfs*56) in the TTN gene. While this is not anticipated to result in nonsense mediated decay, it is expected to create a truncated TTN protein. This variant is not present in population databases (gnomAD no frequency). This variant has not been reported in the literature in individuals affected with TTN-related conditions. ClinVar contains an entry for this variant (Variation ID: 2953930). This variant is located in the A band of TTN (PMID: 25589632). Truncating variants in this region are significantly overrepresented in patients affected with dilated cardiomyopathy (PMID: 25589632). Truncating variants in this region have also been reported in individuals affected with autosomal recessive centronuclear myopathy (PMID: 23975875). In summary, the currently available evidence indicates that the variant is pathogenic, but additional data are needed to prove that conclusively. Therefore, this variant has been classified as Likely Pathogenic.

Literature cited by the submitters: PubMed 25589632; PubMed 23975875.